The following is an entry in ClinVar:

ClinVar aggregate classification (germline): Uncertain significance (1 of 4 stars; one submission).

Conditions:
Infantile-onset ascending hereditary spastic paralysis (IAHSP). Also called: Infantile-Onset Ascending Hereditary Spastic Paralysis (IAHSP); Autosomal Recessive Juvenile Amyotrophic Lateral Sclerosis. Identifiers: Orphanet 293168, MedGen C2931441, MONDO:0011797, OMIM 607225. Disease mechanism: loss of function.

Submission:

Labcorp Genetics (formerly Invitae), Labcorp
Classification: Uncertain significance for Infantile-onset ascending hereditary spastic paralysis. Last evaluated: 2021-02-22. Review status: criteria provided, single submitter. Criteria: Invitae Variant Classification Sherloc (09022015). Collection method: clinical testing. Allele origin: germline.
Comment: This variant is not present in population databases (ExAC no frequency). In summary, the available evidence is currently insufficient to determine the role of this variant in disease. Therefore, it has been classified as a Variant of Uncertain Significance. Algorithms developed to predict the effect of missense changes on protein structure and function are either unavailable or do not agree on the potential impact of this missense change (SIFT: "Deleterious"; PolyPhen-2: "Benign"; Align-GVGD: "Class C0"). This variant has not been reported in the literature in individuals with ALS2-related conditions. This sequence change replaces leucine with proline at codon 880 of the ALS2 protein (p.Leu880Pro). The leucine residue is moderately conserved and there is a moderate physicochemical difference between leucine and proline.

NM_020919.4(ALS2):c.2639T>C (p.Leu880Pro)

Gene: ALS2 (alsin Rho guanine nucleotide exchange factor ALS2; minus strand). Cytogenetic location: 2q33.1.
Variant type: single nucleotide variant.
Coding change: c.2639T>C on transcript NM_020919.4 (MANE Select); coding-DNA position 2639, T replaced by C.
Protein change: p.Leu880Pro; replaces leucine 880 with proline.
Molecular consequence: missense variant.
Genome position (GRCh38, 1-based): chr2:201,729,125, A>G on the plus strand (T>C on the coding strand, the complement: ALS2 is on the minus strand). VCF-style: chr2-201729125-A-G. GRCh37 (hg19) VCF-style: chr2-202593848-A-G.
Other names: short protein forms L880P.
Identifiers: ClinVar variation 1512629 (VCV001512629.8), dbSNP rs2106012816, ClinGen allele CA350323171.